The following is an entry in ClinVar:

ClinVar aggregate classification (germline): Likely benign. Review status: criteria provided, multiple submitters, no conflicts (2 of 4 stars). 3 submissions from 3 submitters: Likely benign (2). 1 of the submissions does not count toward it. Last evaluated 2025-10-13.

Conditions:
NPHP4-related disorder. Also called: NPHP4-related disorders; NPHP4-related condition. Identifiers: MedGen CN239384.
Nephronophthisis. Also called: Juvenile Nephronophthisis. Identifiers: Orphanet 655, MedGen C0687120, MONDO:0019005, HP:0000090.

Allele frequency attached by ClinVar (database versions not stated): ExAC 0.00005; gnomAD exomes 0.00005; ESP Exome Variant Server 0.00008; gnomAD 0.00011 and 0.00014; TOPMed 0.00014.
gnomAD v4.1: 86 of 1,613,964 alleles (0.0053%); highest among the groups gnomAD compares: African/African-American, 0.039%; no homozygotes.

Submissions (3):

Labcorp Genetics (formerly Invitae), Labcorp
Classification: Likely benign for Nephronophthisis. Last evaluated: 2025-10-13. Review status: criteria provided, single submitter. Criteria: Invitae Variant Classification Sherloc (09022015). Collection method: clinical testing. Allele origin: germline.

Blueprint Genetics
Classification: Likely benign. Last evaluated: 2024-10-31. Review status: criteria provided, single submitter. Criteria: ACMG Guidelines, 2015. Collection method: clinical testing. Allele origin: germline.

PreventionGenetics, part of Exact Sciences
Classification: Likely benign for NPHP4-related condition. Last evaluated: 2022-07-09. Review status: no assertion criteria provided. Collection method: clinical testing. Allele origin: germline. Not counted in ClinVar's aggregate classification.
Comment: This variant is classified as likely benign based on ACMG/AMP sequence variant interpretation guidelines (Richards et al. 2015 PMID: 25741868, with internal and published modifications).

NM_015102.5(NPHP4):c.3351C>T (p.Ala1117=)

Gene: NPHP4 (nephrocystin 4; minus strand). Cytogenetic location: 1p36.31.
Variant type: single nucleotide variant.
Coding change: c.3351C>T on transcript NM_015102.5 (MANE Select); coding-DNA position 3351, C replaced by T.
Protein change: p.Ala1117=; no amino-acid change (alanine 1117 retained).
Molecular consequence: synonymous variant. On other transcripts: non-coding transcript variant (1).
Genome position (GRCh38, 1-based): chr1:5,867,861, G>A on the plus strand (C>T on the coding strand, the complement: NPHP4 is on the minus strand). VCF-style: chr1-5867861-G-A. GRCh37 (hg19) VCF-style: chr1-5927921-G-A.
Other names: c.3351C>T (NM_015102.4); c.1812C>T, p.Ala604= (NM_001291593.2); c.1815C>T, p.Ala605= (NM_001291594.2).
Identifiers: ClinVar variation 1674053 (VCV001674053.11), dbSNP rs371643259, ClinGen allele CA553645.
Genomic context (GRCh38, chr1:5,867,861, plus strand): 5'-ATAGAAGCGGAAGACCTGGTCCACCACGTGGGGCTGCAGCTCCACAGTCAGGCAGAGCAC[G>A]GCGATGGGCTTGCCACCACTCGCTCGGAACAAGACCTGTGAGGAGGCCACGCTGAGTGTT-3'
Protein context (NP_055917.1, residues 1107-1127): LFRASGGKPI[Ala1117=]VLCLTVELQP